The following is an entry in ClinVar:

NC_012920.1(MT-ATP6):m.8839G>A

Gene: MT-ATP6 (mitochondrially encoded ATP synthase 6; plus strand).
Variant type: single nucleotide variant.
Genome position: chrM-8839-G-A.
Identifiers: ClinVar variation 692996 (VCV000692996.1), dbSNP rs1556423547, ClinGen allele CA337098053.

ClinVar aggregate classification (germline): Benign (1 of 4 stars; one submission).

Conditions:
Leigh syndrome (NULS). Also called: Leigh's necrotizing encephalopathy; Leigh's disease; Leigh Syndrome (mtDNA deletion); Leigh Disease; Subacute necrotizing encephalopathy; Necrotizing encephalopathy infantile subacute of Leigh. Identifiers: Orphanet 506, MedGen C2931891, MONDO:0009723, OMIM 256000.

Submission:

Wong Mito Lab, Molecular and Human Genetics, Baylor College of Medicine
Classification: Benign for Leigh syndrome. Last evaluated: 2019-10-17. Review status: criteria provided, single submitter. Criteria: Modified ACMG Guidelines (Unpublished). Collection method: clinical testing. Allele origin: germline.
Comment: The NC_012920.1:m.8839G>A (YP_003024031.1:p.Ala105Thr) variant in MTATP6 gene is interpretated to be a Benign variant based on the modified ACMG guidelines (unpublished). This variant meets the following evidence codes: BS1, BS2